The following is an entry in ClinVar:

ClinVar aggregate classification (germline): Uncertain significance (1 of 4 stars; one submission).

gnomAD v4.1: 2 of 1,614,144 alleles (0.00012%); highest among the groups gnomAD compares: Non-Finnish European, 0.00017%; no homozygotes.

Submission:

Labcorp Genetics (formerly Invitae), Labcorp
Classification: Uncertain significance. Last evaluated: 2024-07-24. Review status: criteria provided, single submitter. Criteria: Invitae Variant Classification Sherloc (09022015). Collection method: clinical testing. Allele origin: germline.
Comment: This sequence change replaces glycine, which is neutral and non-polar, with alanine, which is neutral and non-polar, at codon 563 of the MYO5B protein (p.Gly563Ala). This variant is present in population databases (rs774764917, gnomAD 0.0009%). This variant has not been reported in the literature in individuals affected with MYO5B-related conditions. Advanced modeling of protein sequence and biophysical properties (such as structural, functional, and spatial information, amino acid conservation, physicochemical variation, residue mobility, and thermodynamic stability) performed at Invitae indicates that this missense variant is expected to disrupt MYO5B protein function with a positive predictive value of 80%. In summary, the available evidence is currently insufficient to determine the role of this variant in disease. Therefore, it has been classified as a Variant of Uncertain Significance.

NM_001080467.3(MYO5B):c.1688G>C (p.Gly563Ala)

Gene: MYO5B (myosin VB; minus strand). Cytogenetic location: 18q21.1.
Variant type: single nucleotide variant.
Coding change: c.1688G>C on transcript NM_001080467.3 (MANE Select); coding-DNA position 1688, G replaced by C.
Protein change: p.Gly563Ala; replaces glycine 563 with alanine.
Molecular consequence: missense variant.
Genome position (GRCh38, 1-based): chr18:49,953,324, C>G on the plus strand (G>C on the coding strand, the complement: MYO5B is on the minus strand). VCF-style: chr18-49953324-C-G. GRCh37 (hg19) VCF-style: chr18-47479694-C-G.
Other names: short protein forms G563A.
Identifiers: ClinVar variation 3675702 (VCV003675702.2).
Genomic context (GRCh38, chr18:49,953,324, plus strand): 5'-CTGGCCTTCAGGATATTGATCTGCTCTTCATACACCGTGTCTCTGTTTTTCTCCAGAAAA[C>G]CATCAGAGAGGTACTCCACCTGGGGCCACAGCAACCAGAGAGAGACACAGTCGTTAGTGC-3'
Protein context (NP_001073936.1, residues 553-573): FADKVEYLSD[Gly563Ala]FLEKNRDTVY